The following is an entry in ClinVar:

NM_052989.3(IFT122):c.273-331C>A

Gene: IFT122 (intraflagellar transport 122; plus strand). Cytogenetic location: 3q21.3.
Variant type: single nucleotide variant.
Coding change: c.273-331C>A on transcript NM_052989.3 (MANE Select); 331 bases into the intron before coding-DNA position 273, C replaced by A.
Molecular consequence: intron variant. On other transcripts: missense variant (2).
Genome position (GRCh38, 1-based): chr3:129,460,897, C>A. VCF-style: chr3-129460897-C-A. GRCh37 (hg19) VCF-style: chr3-129179740-C-A.
Other names: c.316C>A, p.Leu106Met (NM_001280541.2, NM_052985.4); c.-178-331C>A (NM_001280545.2, NM_001280546.2); c.273-331C>A (NM_018262.4); c.194-2663C>A (NM_052990.3); c.316C>A (NM_052985.3); short protein forms L106M.
Identifiers: ClinVar variation 1666139 (VCV001666139.10), dbSNP rs116196975, ClinGen allele CA2605791.
Genomic context (GRCh38, chr3:129,460,897, plus strand): 5'-ATTTGTCATGTTTCCAGATCTTGGTCTGTGATGTCTTCATTGCACCTCCATCTTCCATTT[C>A]TGGGCCTCCACAAAACAGTAAGAGTAACAGCCACAGATAAAGCACCTAAAGGCCAAGGTG-3'

ClinVar aggregate classification (germline): Benign. Review status: criteria provided, single submitter (1 of 4 stars). 2 submissions from 2 submitters: Benign (1). 1 of the submissions does not count toward it. Last evaluated 2025-12-30.

Conditions:
IFT122-related disorder. Also called: IFT122-related condition.
Cranioectodermal dysplasia 1 (CED1). Also called: LEVIN SYNDROME I. Identifiers: Orphanet 1515, MedGen C0432235, MONDO:0021093, OMIM 218330.

Allele frequency attached by ClinVar (database versions not stated): gnomAD exomes 0.00015 and 0.00045; ExAC 0.00061; gnomAD 0.00175 and 0.00187; TOPMed 0.00180; ESP Exome Variant Server 0.00208; 1000 Genomes Project 0.00240; 1000 Genomes Project 30x 0.00281.
gnomAD v4.1: 494 of 1,614,128 alleles (0.031%); highest among the groups gnomAD compares: African/African-American, 0.58%; 4 homozygotes.

Submissions (2):

Labcorp Genetics (formerly Invitae), Labcorp
Classification: Benign for Cranioectodermal dysplasia 1. Last evaluated: 2025-12-30. Review status: criteria provided, single submitter. Criteria: Invitae Variant Classification Sherloc (09022015). Collection method: clinical testing. Allele origin: germline.

PreventionGenetics, part of Exact Sciences
Classification: Likely benign for IFT122-related condition. Last evaluated: 2019-05-23. Review status: no assertion criteria provided. Collection method: clinical testing. Allele origin: germline. Not counted in ClinVar's aggregate classification.
Comment: This variant is classified as likely benign based on ACMG/AMP sequence variant interpretation guidelines (Richards et al. 2015 PMID: 25741868, with internal and published modifications).